The following continues an entry in ClinVar:

NM_001267550.2(TTN):c.26672A>G (p.Asn8891Ser)

Gene: TTN. ClinVar aggregate classification (germline): Conflicting classifications of pathogenicity. Uncertain significance (5); Benign (3); Likely benign (10).

Submissions 15 to 22 of 22:

Illumina Laboratory Services, Illumina
Classification: Benign for Tibial muscular dystrophy. Last evaluated: 2018-01-13. Review status: criteria provided, single submitter. Criteria: ICSL Variant Classification Criteria 13 December 2019. Collection method: clinical testing. Allele origin: germline.
Comment: This variant was observed in the ICSL laboratory as part of a predisposition screen in an ostensibly healthy population. It had not been previously curated by ICSL or reported in the Human Gene Mutation Database (HGMD: prior to June 1st, 2018), and was therefore a candidate for classification through an automated scoring system. Utilizing variant allele frequency, disease prevalence and penetrance estimates, and inheritance mode, an automated score was calculated to assess if this variant is too frequent to cause the disease. Based on the score and internal cut-off values, a variant classified as benign is not then subjected to further curation. The score for this variant resulted in a classification of benign for this disease.

Illumina Laboratory Services, Illumina
Classification: Uncertain significance for Early-onset myopathy with fatal cardiomyopathy. Last evaluated: 2018-01-13. Review status: criteria provided, single submitter. Criteria: ICSL Variant Classification Criteria 13 December 2019. Collection method: clinical testing. Allele origin: germline.

Eurofins Ntd Llc (ga)
Classification: Likely benign. Last evaluated: 2016-03-17. Review status: criteria provided, single submitter. Criteria: EGL Classification Definitions 2015. Collection method: clinical testing. Allele origin: germline. Observed: 2 variant alleles, 2 heterozygotes.

Laboratory for Molecular Medicine, Mass General Brigham Personalized Medicine
Classification: Benign. Last evaluated: 2013-04-17. Review status: criteria provided, single submitter. Criteria: LMM Criteria. Collection method: clinical testing. Allele origin: germline. Observed: 9 variant alleles.
Comment: Asn7647Ser in exon 89 of TTN: This variant is not expected to have clinical sign ificance because it has been identified in 3.1% (6/192) of Luhya chromosomes by the 1000 Genomes Project (dbSNP rs146057575). In addition, multiple mammals (inc luding bushbaby, rat, hedgehog, and elephant) carry a serine (Ser) at this posit ion.

Clinical Genetics DNA and cytogenetics Diagnostics Lab, Erasmus MC, Erasmus Medical Center
Classification: Likely benign. Review status: no assertion criteria provided. Collection method: clinical testing. Allele origin: germline. Affected: yes. Study: VKGL Data-share Consensus. Not counted in ClinVar's aggregate classification.

Clinical Genetics, Academic Medical Center
Classification: Likely benign. Review status: no assertion criteria provided. Collection method: clinical testing. Allele origin: germline. Affected: yes. Study: VKGL Data-share Consensus. Not counted in ClinVar's aggregate classification.

Diagnostic Laboratory, Department of Genetics, University Medical Center Groningen
Classification: Likely benign. Review status: no assertion criteria provided. Collection method: clinical testing. Allele origin: germline. Affected: yes. Study: VKGL Data-share Consensus. Not counted in ClinVar's aggregate classification.

Genome Diagnostics Laboratory, University Medical Center Utrecht
Classification: Likely benign. Review status: no assertion criteria provided. Collection method: clinical testing. Allele origin: germline. Affected: yes. Study: VKGL Data-share Consensus. Not counted in ClinVar's aggregate classification.

Literature cited by the submitters: PubMed 24503780 (cited by Women's Health and Genetics/Laboratory Corporation of America, LabCorp); PubMed 24781210 (cited by Women's Health and Genetics/Laboratory Corporation of America, LabCorp); PubMed 28771489 (cited by Women's Health and Genetics/Laboratory Corporation of America, LabCorp); PubMed 26516846 (cited by Women's Health and Genetics/Laboratory Corporation of America, LabCorp); PubMed 30770808 (cited by Women's Health and Genetics/Laboratory Corporation of America, LabCorp); PubMed 35207729 (cited by Women's Health and Genetics/Laboratory Corporation of America, LabCorp).